The following is an entry in ClinVar:

NM_000540.3(RYR1):c.3055C>T (p.Arg1019Trp)

Gene: RYR1 (ryanodine receptor 1; plus strand). Cytogenetic location: 19q13.2.
Variant type: single nucleotide variant.
Coding change: c.3055C>T on transcript NM_000540.3 (MANE Select); coding-DNA position 3055, C replaced by T.
Protein change: p.Arg1019Trp; replaces arginine 1019 with tryptophan.
Molecular consequence: missense variant.
Genome position (GRCh38, 1-based): chr19:38,466,275, C>T. VCF-style: chr19-38466275-C-T. GRCh37 (hg19) VCF-style: chr19-38956915-C-T.
Other names: c.3055C>T, p.Arg1019Trp (NM_001042723.2); short protein forms R1019W.
Identifiers: ClinVar variation 329006 (VCV000329006.16), dbSNP rs757715804, ClinGen allele CA064351.

ClinVar aggregate classification (germline): Uncertain significance. Review status: criteria provided, multiple submitters, no conflicts (2 of 4 stars). 7 submissions from 6 submitters: Uncertain significance (7). Last evaluated 2025-08-14.

Conditions:
Central core myopathy (CMYO1A). Also called: Central core disease; Myopathy, central fibrillar; CONGENITAL MYOPATHY 1A, AUTOSOMAL DOMINANT, WITH SUSCEPTIBILITY TO MALIGNANT HYPERTHERMIA. Identifiers: Orphanet 597, MedGen C5830701, MONDO:0007294, OMIM 117000.
Malignant hyperthermia, susceptibility to, 1 (MHS1). Also called: Anesthesia related hyperthermia; Malignant hyperpyrexia; Fulminating hyperpyrexia; Pharmacogenic myopathy; RYR1-Related Malignant Hyperthermia Susceptibility; Malignant hyperthermia suceptibility 1. Identifiers: Orphanet 423, MedGen C2930980, MONDO:0007783, OMIM 145600.
Congenital multicore myopathy with external ophthalmoplegia (CMYO1B). Also called: MULTICORE MYOPATHY; Minicore myopathy with external ophthalmoplegia; Congenital myopathy 1B, autosomal recessive; Minicore myopathy; MULTIMINICORE DISEASE WITH EXTERNAL OPHTHALMOPLEGIA. Identifiers: Orphanet 598, Orphanet 98905, MedGen C1850674, MONDO:0009712, OMIM 255320, HP:0003789.
Congenital myopathy with fiber type disproportion. Also called: Congenital fiber-type disproportion; Congenital fiber-type disproportion myopathy. Identifiers: Orphanet 2020, MedGen C0546264, MONDO:0009711. Inheritance: all.
King Denborough syndrome (KDS). Identifiers: MedGen C1840365, MONDO:0020485, OMIM 619542.
RYR1-related disorder. Also called: RYR1-related condition; RYR1-related disorders. Identifiers: MedGen CN239331.

Allele frequency attached by ClinVar (database versions not stated): gnomAD exomes 0.00001; TOPMed 0.00002; ExAC 0.00003.
gnomAD v4.1: 16 of 1,612,846 alleles (0.00099%); highest among the groups gnomAD compares: Admixed American, 0.0017%; no homozygotes.

Submissions (7):

Color Diagnostics, LLC DBA Color Health
Classification: Uncertain significance for Malignant hyperthermia, susceptibility to, 1. Last evaluated: 2025-08-14. Review status: criteria provided, single submitter. Criteria: ACMG Guidelines, 2015. Collection method: clinical testing. Allele origin: germline.
Comment: This missense variant replaces arginine with tryptophan at codon 1019 of the RYR1 protein. Computational prediction suggests that this variant may have deleterious impact on protein structure and function. To our knowledge, functional studies have not been reported for this variant. This variant has not been reported in individuals affected with RYR1-related disorders in the literature. This variant has been identified in 3/246236 chromosomes in the general population by the Genome Aggregation Database (gnomAD). The available evidence is insufficient to determine the role of this variant in disease conclusively. Therefore, this variant is classified as a Variant of Uncertain Significance.

Revvity Omics, Revvity
Classification: Uncertain significance. Last evaluated: 2025-06-13. Review status: criteria provided, single submitter. Criteria: ACMG Guidelines, 2015. Collection method: clinical testing. Allele origin: germline.

Labcorp Genetics (formerly Invitae), Labcorp
Classification: Uncertain significance for RYR1-related disorder. Last evaluated: 2024-10-24. Review status: criteria provided, single submitter. Criteria: Invitae Variant Classification Sherloc (09022015). Collection method: clinical testing. Allele origin: germline.
Comment: This sequence change replaces arginine, which is basic and polar, with tryptophan, which is neutral and slightly polar, at codon 1019 of the RYR1 protein (p.Arg1019Trp). This variant is present in population databases (rs757715804, gnomAD 0.007%). This variant has not been reported in the literature in individuals affected with RYR1-related conditions. ClinVar contains an entry for this variant (Variation ID: 329006). Invitae Evidence Modeling of protein sequence and biophysical properties (such as structural, functional, and spatial information, amino acid conservation, physicochemical variation, residue mobility, and thermodynamic stability) indicates that this missense variant is expected to disrupt RYR1 protein function with a positive predictive value of 80%. In summary, the available evidence is currently insufficient to determine the role of this variant in disease. Therefore, it has been classified as a Variant of Uncertain Significance.

All of Us Research Program, National Institutes of Health
Classification: Uncertain significance for Malignant hyperthermia, susceptibility to, 1. Last evaluated: 2024-08-06. Review status: criteria provided, single submitter. Criteria: ACMG Guidelines, 2015. Collection method: clinical testing. Allele origin: germline. Inheritance: Autosomal dominant inheritance. Observed: 2 variant alleles, 2 heterozygotes.
Comment: This missense variant replaces arginine with tryptophan at codon 1019 of the RYR1 protein. Computational prediction suggests that this variant may have deleterious impact on protein structure and function (internally defined REVEL score threshold >= 0.7, PMID: 27666373). To our knowledge, functional studies have not been reported for this variant. This variant has not been reported in individuals affected with RYR1-related disorders in the literature. This variant has been identified in 3/246236 chromosomes in the general population by the Genome Aggregation Database (gnomAD). The available evidence is insufficient to determine the role of this variant in disease conclusively. Therefore, this variant is classified as a Variant of Uncertain Significance.

This study involves interpretation of variants in research participants for the purpose of population health screening. Participant phenotype was not available at the time of variant classification. Additional details can be found in publication PMID: 35346344, PMCID: PMC8962531

Fulgent Genetics
Classification: Uncertain significance for Central core myopathy; Malignant hyperthermia, susceptibility to, 1; Congenital myopathy 4A, autosomal dominant; Congenital multicore myopathy with external ophthalmoplegia; King Denborough syndrome. Last evaluated: 2021-09-10. Review status: criteria provided, single submitter. Criteria: ACMG Guidelines, 2015. Collection method: clinical testing. Allele origin: unknown.

Illumina Laboratory Services, Illumina
Classification: Uncertain significance for Congenital multicore myopathy with external ophthalmoplegia. Last evaluated: 2018-01-13. Review status: criteria provided, single submitter. Criteria: ICSL Variant Classification Criteria 13 December 2019. Collection method: clinical testing. Allele origin: germline.

Illumina Laboratory Services, Illumina
Classification: Uncertain significance for Malignant hyperthermia, susceptibility to, 1. Last evaluated: 2018-01-13. Review status: criteria provided, single submitter. Criteria: ICSL Variant Classification Criteria 13 December 2019. Collection method: clinical testing. Allele origin: germline.